The following is an entry in ClinVar:

ClinVar aggregate classification (germline): Uncertain significance. Review status: criteria provided, multiple submitters, no conflicts (2 of 4 stars). 5 submissions from 4 submitters: Uncertain significance (5). Last evaluated 2025-05-08.

Conditions:
Aortic valve disease 1 (AOVD1). Identifiers: MedGen C3887892, MONDO:0024523, OMIM 109730.
Adams-Oliver syndrome 5 (AOS5). Identifiers: Orphanet 974, MedGen C4014970, MONDO:0014459, OMIM 616028.
Familial thoracic aortic aneurysm and aortic dissection (TAAD). Also called: Thoracic aortic aneurysms and dissections. Identifiers: Orphanet 91387, MedGen C4707243, MONDO:0019625.

Allele frequency attached by ClinVar (database versions not stated): gnomAD exomes 0.00001; ExAC 0.00002.
gnomAD v4.1: 10 of 1,598,954 alleles (0.00063%); highest among the groups gnomAD compares: East Asian, 0.0022%; no homozygotes.

Submissions (5):

Ambry Genetics
Classification: Uncertain significance for Familial thoracic aortic aneurysm and aortic dissection. Last evaluated: 2025-05-08. Review status: criteria provided, single submitter. Criteria: Ambry Variant Classification Scheme 2023. Collection method: clinical testing. Allele origin: germline.
Comment: The p.G1892R variant (also known as c.5674G>A), located in coding exon 31 of the NOTCH1 gene, results from a G to A substitution at nucleotide position 5674. The glycine at codon 1892 is replaced by arginine, an amino acid with dissimilar properties. This amino acid position is conserved. In addition, the in silico prediction for this alteration is inconclusive. Based on the available evidence, the clinical significance of this variant remains unclear.

Genome-Nilou Lab
Classification: Uncertain significance for Adams-Oliver syndrome 5. Last evaluated: 2022-03-15. Review status: criteria provided, single submitter. Criteria: ACMG Guidelines, 2015. Collection method: clinical testing. Allele origin: germline. Affected: no.

Genome-Nilou Lab
Classification: Uncertain significance for Aortic valve disease 1. Last evaluated: 2022-03-15. Review status: criteria provided, single submitter. Criteria: ACMG Guidelines, 2015. Collection method: clinical testing. Allele origin: germline. Affected: no.

New York Genome Center
Classification: Uncertain significance for Adams-Oliver syndrome 5; Aortic valve disease 1. Last evaluated: 2022-01-14. Review status: criteria provided, single submitter. Criteria: NYGC Assertion Criteria 2020. Collection method: clinical testing. Allele origin: inherited. Observed: 1 heterozygote. Study: CSER-NYCKidSeq.
Comment: The c.5674G>A (p.Gly1892Arg) variant identified in the NOTCH1 gene substitutes a very well conserved Glycine for Arginine at amino acid 1892/2556 (coding exon 31/34).This variant is found with low frequency in gnomAD (2 heterozygotes, 0 homozygotes; allele frequency:8.58e-6) suggesting it is not a common benign variant in the populations represented in this database. In silico algorithms predict this variant to be Deleterious (Provean; score:-6.40) and Damaging (SIFT; score:0.003) to the function of the canonical transcript. This variant is absent from ClinVar and to our current knowledge has not been reported in affected individuals in the literature. The p.Gly1892 residue is within the intracellular region of NOTCH1, although not within a mapped domain (UniProtKB: P46531). Given the lack of compelling evidence for its pathogenicity, the c.5674G>A (p.Gly1892Arg) variant identified in the NOTCH1 gene is reported here as a Variant of Uncertain Significance.

GeneDx
Classification: Uncertain significance. Last evaluated: 2019-07-12. Review status: criteria provided, single submitter. Criteria: GeneDx Variant Classification Process June 2021. Collection method: clinical testing. Allele origin: germline. Affected: yes.
Comment: Not observed at a significant frequency in large population cohorts (Lek et al., 2016); In silico analysis, which includes protein predictors and evolutionary conservation, supports a deleterious effect; Has not been previously published as pathogenic or benign to our knowledge

NM_017617.5(NOTCH1):c.5674G>A (p.Gly1892Arg)

Gene: NOTCH1 (notch receptor 1; minus strand). Cytogenetic location: 9q34.3.
Variant type: single nucleotide variant.
Coding change: c.5674G>A on transcript NM_017617.5 (MANE Select); coding-DNA position 5674, G replaced by A.
Protein change: p.Gly1892Arg; replaces glycine 1892 with arginine.
Molecular consequence: missense variant.
Genome position (GRCh38, 1-based): chr9:136,500,812, C>T on the plus strand (G>A on the coding strand, the complement: NOTCH1 is on the minus strand). VCF-style: chr9-136500812-C-T. GRCh37 (hg19) VCF-style: chr9-139395264-C-T.
Other names: short protein forms G1892R.
Identifiers: ClinVar variation 983426 (VCV000983426.7), dbSNP rs761427888, ClinGen allele CA5340157.